The following is an entry in ClinVar:

ClinVar aggregate classification (germline): Conflicting classifications of pathogenicity. Review status: criteria provided, conflicting classifications (1 of 4 stars). 2 submissions from 2 submitters: Likely pathogenic (1); Uncertain significance (1). Last evaluated 2024-01-24.

Conditions:
Epilepsy, idiopathic generalized, susceptibility to, 13. Also called: EPILEPSY, JUVENILE MYOCLONIC, SUSCEPTIBILITY TO, 5. Identifiers: Orphanet 307, Orphanet 64280, MedGen C4013473, MONDO:0012627, OMIM 611136.
Developmental and epileptic encephalopathy, 19 (DEE19). Also called: Epileptic encephalopathy, early infantile, 19. Identifiers: Orphanet 33069, MedGen C3810400, MONDO:0014328, OMIM 615744.

Submissions (2):

GeneDx
Classification: Uncertain significance. Last evaluated: 2024-01-24. Review status: criteria provided, single submitter. Criteria: GeneDx Variant Classification Process June 2021. Collection method: clinical testing. Allele origin: germline. Affected: yes.
Comment: Not observed at significant frequency in large population cohorts (gnomAD); Nonsense variant predicted to result in protein truncation or nonsense mediated decay in a gene or region of a gene for which loss of function is not a well-established mechanism of disease; Has not been previously published as pathogenic or benign to our knowledge

Institute of Human Genetics, Clinical Exome/Genome Diagnostics Group, University Hospital Bonn
Classification: Likely pathogenic for Developmental and epileptic encephalopathy, 19; Epilepsy, idiopathic generalized, susceptibility to, 13. Last evaluated: 2020-11-03. Review status: criteria provided, single submitter. Criteria: ACMG Guidelines, 2015. Collection method: clinical testing. Allele origin: germline. Affected: yes.

NM_001127644.2(GABRA1):c.785_786dup (p.Met263Ter)

Gene: GABRA1 (gamma-aminobutyric acid type A receptor subunit alpha1; plus strand). Cytogenetic location: 5q34.
Variant type: Duplication.
Coding change: c.785_786dup on transcript NM_001127644.2 (MANE Select); coding-DNA positions 785 to 786, 2 bases duplicated (TA; older notation c.785_786dupTA).
Protein change: p.Met263Ter; replaces methionine 263 with a stop codon.
Molecular consequence: nonsense.
Genome position (GRCh38, 1-based): chr5:161,890,979-161,890,980, TA duplicated; duplicating any 2 consecutive bases within chr5:161,890,978-161,890,980 gives the same sequence; the c. name uses the placement nearest the transcript's 3' end. VCF-style (leftmost placement, unchanged base first): chr5-161890977-C-CAT. GRCh37 (hg19) VCF-style: chr5-161317983-C-CAT.
Other names: c.785_786dup, p.Met263Ter (NM_000806.5, NM_001127643.2, NM_001127645.2 and 1 more transcripts); short protein forms M263*.
Identifiers: ClinVar variation 1801345 (VCV001801345.2), dbSNP rs2532280401, ClinGen allele CA2580074004.
Genomic context (GRCh38, chr5:161,890,977, plus strand): 5'-CACTCATTTCCACTTGAAGAGAAAGATTGGCTACTTTGTTATTCAAACATACCTGCCATG[C>CAT]ATAATGACAGTGATTCTCTCACAAGTCTCCTTCTGGCTCAACAGAGAGTCTGTACCAGCA-3'